The following is an entry in ClinVar:

ClinVar aggregate classification (germline): Uncertain significance (1 of 4 stars; one submission).

Conditions:
Gastrointestinal stromal tumor. Also called: Gastrointestinal stromal tumor, somatic; Gastrointestinal stroma tumor. Identifiers: Orphanet 44890, MedGen C0238198, MeSH D046152, MONDO:0011719, OMIM 606764, HP:0100723.

Submission:

Labcorp Genetics (formerly Invitae), Labcorp
Classification: Uncertain significance for Gastrointestinal stromal tumor. Last evaluated: 2022-07-13. Review status: criteria provided, single submitter. Criteria: Invitae Variant Classification Sherloc (09022015). Collection method: clinical testing. Allele origin: germline.
Comment: This variant is not present in population databases (gnomAD no frequency). This sequence change replaces threonine, which is neutral and polar, with asparagine, which is neutral and polar, at codon 873 of the PDGFRA protein (p.Thr873Asn). This variant has not been reported in the literature in individuals affected with PDGFRA-related conditions. ClinVar contains an entry for this variant (Variation ID: 933861). Algorithms developed to predict the effect of missense changes on protein structure and function are either unavailable or do not agree on the potential impact of this missense change (SIFT: "Deleterious"; PolyPhen-2: "Probably Damaging"; Align-GVGD: "Class C0"). In summary, the available evidence is currently insufficient to determine the role of this variant in disease. Therefore, it has been classified as a Variant of Uncertain Significance.

NM_006206.6(PDGFRA):c.2618C>A (p.Thr873Asn)

Gene: PDGFRA (platelet derived growth factor receptor alpha; plus strand). Cytogenetic location: 4q12.
Variant type: single nucleotide variant.
Coding change: c.2618C>A on transcript NM_006206.6 (MANE Select); coding-DNA position 2618, C replaced by A.
Protein change: p.Thr873Asn; replaces threonine 873 with asparagine.
Molecular consequence: missense variant.
Genome position (GRCh38, 1-based): chr4:54,287,485, C>A. VCF-style: chr4-54287485-C-A. GRCh37 (hg19) VCF-style: chr4-55153652-C-A.
Other names: c.2693C>A, p.Thr898Asn (NM_001347828.2); c.2618C>A, p.Thr873Asn (NM_001347829.2); c.2657C>A, p.Thr886Asn (NM_001347830.2); short protein forms T898N, T873N, T886N.
Identifiers: ClinVar variation 933861 (VCV000933861.10), dbSNP rs1724416614, ClinGen allele CA356895256.